The following is an entry in ClinVar:

ClinVar aggregate classification (germline): Pathogenic (1 of 4 stars; one submission).

gnomAD v4.1: 1 of 1,613,800 alleles (0.000062%); highest among the groups gnomAD compares: Non-Finnish European, 0.000085%; no homozygotes.

Submission:

Labcorp Genetics (formerly Invitae), Labcorp
Classification: Pathogenic. Last evaluated: 2026-01-26. Review status: criteria provided, single submitter. Criteria: Invitae Variant Classification Sherloc (09022015). Collection method: clinical testing. Allele origin: germline.
Comment: This sequence change creates a premature translational stop signal (p.Arg1393*) in the DMXL2 gene. It is expected to result in an absent or disrupted protein product. Loss-of-function variants in DMXL2 are known to be pathogenic (PMID: 30237576, 31688942). This variant is not present in population databases (gnomAD no frequency). This variant has not been reported in the literature in individuals affected with DMXL2-related conditions. For these reasons, this variant has been classified as Pathogenic.

Literature cited by the submitters: PubMed 30237576; PubMed 31688942.

NM_001378457.1(DMXL2):c.4177C>T (p.Arg1393Ter)

Gene: DMXL2 (Dmx like 2; minus strand). Cytogenetic location: 15q21.2.
Variant type: single nucleotide variant.
Coding change: c.4177C>T on transcript NM_001378457.1 (MANE Select); coding-DNA position 4177, C replaced by T.
Protein change: p.Arg1393Ter; replaces arginine 1393 with a stop codon.
Molecular consequence: nonsense. On other transcripts: non-coding transcript variant (2), intron variant (2).
Genome position (GRCh38, 1-based): chr15:51,499,047, G>A on the plus strand (C>T on the coding strand, the complement: DMXL2 is on the minus strand). VCF-style: chr15-51499047-G-A. GRCh37 (hg19) VCF-style: chr15-51791244-G-A.
Other names: c.4177C>T, p.Arg1393Ter (NM_001174116.3, NM_001378458.1, NM_001378459.1 and 4 more transcripts); c.3937C>T, p.Arg1313Ter (NM_001378464.1); c.2765-7300C>T (NM_001378460.1); c.2765-3913C>T (NM_001174117.3); short protein forms R1313*, R1393*.
Identifiers: ClinVar variation 4739231 (VCV004739231.1).